The following is an entry in ClinVar:

NM_001044.5(SLC6A3):c.1601T>G (p.Phe534Cys)

Gene: SLC6A3 (solute carrier family 6 member 3). Cytogenetic location: 5p15.33.
Variant type: single nucleotide variant.
Coding change: c.1601T>G on transcript NM_001044.5 (MANE Select); coding-DNA position 1601, T replaced by G.
Protein change: p.Phe534Cys; replaces phenylalanine 534 with cysteine.
Molecular consequence: missense variant.
Genome position (GRCh38, 1-based): chr5:1,403,088, A>C on the plus strand (T>G on the coding strand, the complement: SLC6A3 is on the minus strand). VCF-style: chr5-1403088-A-C. GRCh37 (hg19) VCF-style: chr5-1403203-A-C.
Other names: short protein forms F534C.
Identifiers: ClinVar variation 2142830 (VCV002142830.4), dbSNP rs774463195, ClinGen allele CA3185964.

ClinVar aggregate classification (germline): Uncertain significance (1 of 4 stars; one submission).

Conditions:
Parkinsonism-dystonia, infantile. Identifiers: Orphanet 238455, MedGen C2751067, MONDO:0013150.

Allele frequency attached by ClinVar (database versions not stated): gnomAD exomes below 0.00001; ExAC 0.00001; TOPMed 0.00001; gnomAD 0.00003.
gnomAD v4.1: 5 of 1,613,366 alleles (0.00031%); highest among the groups gnomAD compares: Admixed American, 0.005%; no homozygotes.

Submission:

Labcorp Genetics (formerly Invitae), Labcorp
Classification: Uncertain significance for Parkinsonism-dystonia, infantile. Last evaluated: 2022-08-10. Review status: criteria provided, single submitter. Criteria: Invitae Variant Classification Sherloc (09022015). Collection method: clinical testing. Allele origin: germline.
Comment: In summary, the available evidence is currently insufficient to determine the role of this variant in disease. Therefore, it has been classified as a Variant of Uncertain Significance. Algorithms developed to predict the effect of missense changes on protein structure and function are either unavailable or do not agree on the potential impact of this missense change (SIFT: "Deleterious"; PolyPhen-2: "Benign"; Align-GVGD: "Class C0"). This variant has not been reported in the literature in individuals affected with SLC6A3-related conditions. This variant is present in population databases (rs774463195, gnomAD 0.0009%). This sequence change replaces phenylalanine, which is neutral and non-polar, with cysteine, which is neutral and slightly polar, at codon 534 of the SLC6A3 protein (p.Phe534Cys).